The following is an entry in ClinVar:

ClinVar aggregate classification (germline): Uncertain significance (1 of 4 stars; one submission).

Submission:

GeneDx
Classification: Uncertain significance. Last evaluated: 2025-03-10. Review status: criteria provided, single submitter. Criteria: GeneDx Variant Classification Process June 2021. Collection method: clinical testing. Allele origin: germline.
Comment: Not observed at significant frequency in large population cohorts (gnomAD); In silico analysis indicates that this missense variant does not alter protein structure/function; Has not been previously published as pathogenic or benign to our knowledge

NM_001130438.3(SPTAN1):c.518C>G (p.Thr173Ser)

Gene: SPTAN1 (spectrin alpha, non-erythrocytic 1; plus strand). Cytogenetic location: 9q34.11.
Variant type: single nucleotide variant.
Coding change: c.518C>G on transcript NM_001130438.3 (MANE Select); coding-DNA position 518, C replaced by G.
Protein change: p.Thr173Ser; replaces threonine 173 with serine.
Molecular consequence: missense variant.
Genome position (GRCh38, 1-based): chr9:128,575,212, C>G. VCF-style: chr9-128575212-C-G. GRCh37 (hg19) VCF-style: chr9-131337491-C-G.
Other names: c.518C>G, p.Thr173Ser (NM_001195532.2, NM_001363759.2, NM_001363765.2 and 5 more transcripts); c.554C>G, p.Thr185Ser (NM_001375312.2, NM_001375318.1); short protein forms T173S, T185S.
Identifiers: ClinVar variation 1702608 (VCV001702608.3), dbSNP rs2130975716, ClinGen allele CA375052898.